The following is an entry in ClinVar:

ClinVar aggregate classification (germline): Likely benign. Review status: criteria provided, multiple submitters, no conflicts (2 of 4 stars). 3 submissions from 3 submitters: Likely benign (3). Last evaluated 2025-12-16.

Conditions:
Hypokalemic periodic paralysis, type 1. Also called: HypoPP; Hypokalemic Periodic Paralysis Type 1 (AD). Identifiers: Orphanet 681, MedGen C3714580, MONDO:0042979, OMIM 170400.
Malignant hyperthermia, susceptibility to, 5 (MHS5). Also called: CACNA1S-Related Malignant Hyperthermia Susceptibility. Identifiers: Orphanet 423, MedGen C1866077, MONDO:0011163, OMIM 601887.

Allele frequency attached by ClinVar (database versions not stated): TOPMed 0.00002; gnomAD exomes 0.00004 and 0.00005; ExAC 0.00006; gnomAD 0.00008 and 0.00009.
gnomAD v4.1: 78 of 1,614,084 alleles (0.0048%); highest among the groups gnomAD compares: South Asian, 0.0066%; no homozygotes.

Submissions (3):

Labcorp Genetics (formerly Invitae), Labcorp
Classification: Likely benign for Hypokalemic periodic paralysis, type 1; Malignant hyperthermia, susceptibility to, 5. Last evaluated: 2025-12-16. Review status: criteria provided, single submitter. Criteria: Invitae Variant Classification Sherloc (09022015). Collection method: clinical testing. Allele origin: germline.

All of Us Research Program, National Institutes of Health
Classification: Likely benign for Malignant hyperthermia, susceptibility to, 5. Last evaluated: 2023-06-08. Review status: criteria provided, single submitter. Criteria: ACMG Guidelines, 2015. Collection method: clinical testing. Allele origin: germline. Inheritance: Autosomal dominant inheritance. Observed: 3 variant alleles, 3 heterozygotes.
Comment: This study involves interpretation of variants in research participants for the purpose of population health screening. Participant phenotype was not available at the time of variant classification. Additional details can be found in publication PMID: 35346344, PMCID: PMC8962531

Color Diagnostics, LLC DBA Color Health
Classification: Likely benign for Malignant hyperthermia, susceptibility to, 5. Last evaluated: 2023-03-29. Review status: criteria provided, single submitter. Criteria: ACMG Guidelines, 2015. Collection method: clinical testing. Allele origin: germline.

NM_000069.3(CACNA1S):c.888C>T (p.Asp296=)

Gene: CACNA1S (calcium voltage-gated channel subunit alpha1 S; minus strand). Cytogenetic location: 1q32.1.
Variant type: single nucleotide variant.
Coding change: c.888C>T on transcript NM_000069.3 (MANE Select); coding-DNA position 888, C replaced by T.
Protein change: p.Asp296=; no amino-acid change (aspartic acid 296 retained).
Molecular consequence: synonymous variant.
Genome position (GRCh38, 1-based): chr1:201,089,270, G>A on the plus strand (C>T on the coding strand, the complement: CACNA1S is on the minus strand). VCF-style: chr1-201089270-G-A. GRCh37 (hg19) VCF-style: chr1-201058398-G-A.
Identifiers: ClinVar variation 1077873 (VCV001077873.11), dbSNP rs775610804, ClinGen allele CA084029.
Genomic context (GRCh38, chr1:201,089,270, plus strand): 5'-GCCTGTGGATGAAGGGAGATGGTTCTGCAGGCGCGGGCCCAGACCCACCCAGTAAAGGAC[G>A]TCAGTCCATCCCTCCATGGTAATGCACTGGTACACGGTGAGCATGGAGAAGCCGAAGTTG-3'
Protein context (NP_000060.2, residues 286-306): YQCITMEGWT[Asp296=]VLYWVNDAIG